The following is an entry in ClinVar:

NM_003322.6(TULP1):c.783G>C (p.Lys261Asn)

Gene: TULP1 (TUB like protein 1; minus strand). Cytogenetic location: 6p21.31.
Variant type: single nucleotide variant.
Coding change: c.783G>C on transcript NM_003322.6 (MANE Select); coding-DNA position 783, G replaced by C.
Protein change: p.Lys261Asn; replaces lysine 261 with asparagine.
Molecular consequence: missense variant.
Genome position (GRCh38, 1-based): chr6:35,509,248, C>G on the plus strand (G>C on the coding strand, the complement: TULP1 is on the minus strand). VCF-style: chr6-35509248-C-G. GRCh37 (hg19) VCF-style: chr6-35477025-C-G.
Other names: c.624G>C, p.Lys208Asn (NM_001289395.2); short protein forms K261N, K208N.
Identifiers: ClinVar variation 94127 (VCV000094127.37), dbSNP rs2064318, ClinGen allele CA147645.

ClinVar aggregate classification (germline): Benign. Review status: criteria provided, multiple submitters, no conflicts (2 of 4 stars). 13 submissions from 11 submitters: Benign (11). 2 of the submissions do not count toward it. Last evaluated 2026-02-04.

Conditions:
Retinal dystrophy. Also called: Inherited retinal dystrophy. Identifiers: Orphanet 71862, MedGen C0854723, MeSH D058499, MONDO:0019118, HP:0000556.
Leber congenital amaurosis 15 (LCA15). Identifiers: Orphanet 65, MedGen C3151206, MONDO:0013457, OMIM 613843.
Retinitis pigmentosa (RP). Identifiers: Orphanet 791, MedGen C0035334, MeSH D012174, MONDO:0019200, OMIM 268000. Inheritance: Autosomal dominant, autosomal recessive and X linked inheritance.
Leber congenital amaurosis 1 (LCA1). Also called: RETINAL BLINDNESS, CONGENITAL; Congenital absence of the rods and cones; Leber's congenital tapetoretinal degeneration; Leber's congenital tapetoretinal dysplasia; AMAUROSIS CONGENITA OF LEBER I. Identifiers: Orphanet 65, MedGen C2931258, MONDO:0008764, OMIM 204000.
Retinitis pigmentosa 14 (RP14). Also called: RETINITIS PIGMENTOSA, JUVENILE, TULP1-RELATED. Identifiers: Orphanet 791, MedGen C1838603, MONDO:0010827, OMIM 600132.

Allele frequency attached by ClinVar (database versions not stated): ESP Exome Variant Server 0.84223; gnomAD 0.84569 and 0.84158; 1000 Genomes Project 0.83846; 1000 Genomes Project 30x 0.83994; gnomAD exomes 0.81781 and 0.82277; ExAC 0.82147; TOPMed 0.85275.
gnomAD v4.1: 1,323,167 of 1,613,322 alleles (82%); highest among the groups gnomAD compares: African/African-American, 90%; 543,689 homozygotes.

Submissions (13):

Labcorp Genetics (formerly Invitae), Labcorp
Classification: Benign. Last evaluated: 2026-02-04. Review status: criteria provided, single submitter. Criteria: Invitae Variant Classification Sherloc (09022015). Collection method: clinical testing. Allele origin: germline.

Blueprint Genetics
Classification: Benign. Last evaluated: 2024-11-27. Review status: criteria provided, single submitter. Criteria: ACMG Guidelines, 2015. Collection method: clinical testing. Allele origin: germline.

ARUP Laboratories, Molecular Genetics and Genomics, ARUP Laboratories
Classification: Benign. Last evaluated: 2023-11-29. Review status: criteria provided, single submitter. Criteria: ARUP Molecular Germline Variant Investigation Process 2024. Collection method: clinical testing. Allele origin: germline.

Dept Of Ophthalmology, Nagoya University
Classification: Benign for Retinal dystrophy. Last evaluated: 2023-10-01. Review status: criteria provided, single submitter. Criteria: Submitter's publication. Collection method: research. Allele origin: germline. Affected: yes.

Genome-Nilou Lab
Classification: Benign for Leber congenital amaurosis 15. Last evaluated: 2021-12-05. Review status: criteria provided, single submitter. Criteria: ACMG Guidelines, 2015. Collection method: clinical testing. Allele origin: germline. Affected: no.

Genome-Nilou Lab
Classification: Benign for Retinitis pigmentosa 14. Last evaluated: 2021-12-05. Review status: criteria provided, single submitter. Criteria: ACMG Guidelines, 2015. Collection method: clinical testing. Allele origin: germline. Affected: no.

Mendelics
Classification: Benign for Leber congenital amaurosis 1. Last evaluated: 2019-05-28. Review status: criteria provided, single submitter. Criteria: Mendelics Assertion Criteria 2017. Collection method: clinical testing. Allele origin: unknown.

Illumina Laboratory Services, Illumina
Classification: Benign for Retinitis pigmentosa. Last evaluated: 2018-01-13. Review status: criteria provided, single submitter. Criteria: ICSL Variant Classification Criteria 13 December 2019. Collection method: clinical testing. Allele origin: germline.
Comment: This variant was observed in the ICSL laboratory as part of a predisposition screen in an ostensibly healthy population. It had not been previously curated by ICSL or reported in the Human Gene Mutation Database (HGMD: prior to June 1st, 2018), and was therefore a candidate for classification through an automated scoring system. Utilizing variant allele frequency, disease prevalence and penetrance estimates, and inheritance mode, an automated score was calculated to assess if this variant is too frequent to cause the disease. Based on the score and internal cut-off values, a variant classified as benign is not then subjected to further curation. The score for this variant resulted in a classification of benign for this disease.

Illumina Laboratory Services, Illumina
Classification: Benign for Leber congenital amaurosis 15. Last evaluated: 2018-01-13. Review status: criteria provided, single submitter. Criteria: ICSL Variant Classification Criteria 13 December 2019. Collection method: clinical testing. Allele origin: germline.
Comment: the same text as in the submission from Illumina Laboratory Services, Illumina above.

GeneDx
Classification: Benign. Last evaluated: 2015-03-03. Review status: criteria provided, single submitter. Criteria: GeneDx Variant Classification Process June 2021. Collection method: clinical testing. Allele origin: germline. Affected: yes.

Eurofins Ntd Llc (ga)
Classification: Benign. Last evaluated: 2013-08-30. Review status: criteria provided, single submitter. Criteria: EGL Classification Definitions 2015. Collection method: clinical testing. Allele origin: germline. Observed: 4 variant alleles, 1 heterozygote, 3 homozygotes.

Diagnostic Laboratory, Department of Genetics, University Medical Center Groningen
Classification: Benign. Review status: no assertion criteria provided. Collection method: clinical testing. Allele origin: germline. Affected: yes. Study: VKGL Data-share Consensus. Not counted in ClinVar's aggregate classification.

Joint Genome Diagnostic Labs from Nijmegen and Maastricht, Radboudumc and MUMC+
Classification: Benign. Review status: no assertion criteria provided. Collection method: clinical testing. Allele origin: germline. Affected: yes. Study: VKGL Data-share Consensus. Not counted in ClinVar's aggregate classification.